The following is an entry in ClinVar:

NM_000540.3(RYR1):c.14591A>G (p.Tyr4864Cys)

Gene: RYR1 (ryanodine receptor 1; plus strand). Cytogenetic location: 19q13.2.
Variant type: single nucleotide variant.
Coding change: c.14591A>G on transcript NM_000540.3 (MANE Select); coding-DNA position 14591, A replaced by G.
Protein change: p.Tyr4864Cys; replaces tyrosine 4864 with cysteine.
Molecular consequence: missense variant.
Genome position (GRCh38, 1-based): chr19:38,580,449, A>G. VCF-style: chr19-38580449-A-G. GRCh37 (hg19) VCF-style: chr19-39071089-A-G.
Other names: c.14576A>G, p.Tyr4859Cys (NM_001042723.2); short protein forms Y4864C, Y4859C.
Identifiers: ClinVar variation 66004 (VCV000066004.4), dbSNP rs118192146, ClinGen allele CA024196.

ClinVar aggregate classification (germline): Pathogenic. Review status: no assertion criteria provided (0 of 4 stars). 3 submissions from 3 submitters: Pathogenic (2). 1 of the submissions does not count toward it. Last evaluated 2010-05-11.

Conditions:
Central core myopathy (CMYO1A). Also called: Central core disease; Myopathy, central fibrillar; CONGENITAL MYOPATHY 1A, AUTOSOMAL DOMINANT, WITH SUSCEPTIBILITY TO MALIGNANT HYPERTHERMIA. Identifiers: Orphanet 597, MedGen C5830701, MONDO:0007294, OMIM 117000.

Allele frequency attached by ClinVar (database versions not stated): TOPMed below 0.00001.

Submissions (3):

GeneReviews
Classification: Pathogenic for Central Core Disease. Last evaluated: 2010-05-11. Review status: no assertion criteria provided. Collection method: curation. Allele origin: unknown.
ClinVar note: Converted during submission from pathologic to Pathogenic.

OMIM
Classification: Pathogenic for CONGENITAL MYOPATHY 1A, AUTOSOMAL DOMINANT. Last evaluated: 2003-12-01. Review status: no assertion criteria provided. Collection method: literature only. Allele origin: germline.

RYR1 database
No classification provided. Review status: no classification provided. Collection method: not provided. Allele origin: unknown. Not counted in ClinVar's aggregate classification.

Literature cited by the submitters: PubMed 14670767 (cited by OMIM).